The following is an entry in ClinVar:

NM_001278064.2(GRM1):c.1165A>C (p.Asn389His)

Gene: GRM1 (glutamate metabotropic receptor 1; plus strand). Cytogenetic location: 6q24.3.
Variant type: single nucleotide variant.
Coding change: c.1165A>C on transcript NM_001278064.2 (MANE Select); coding-DNA position 1165, A replaced by C.
Protein change: p.Asn389His; replaces asparagine 389 with histidine.
Molecular consequence: missense variant.
Genome position (GRCh38, 1-based): chr6:146,304,825, A>C. VCF-style: chr6-146304825-A-C. GRCh37 (hg19) VCF-style: chr6-146625961-A-C.
Other names: c.1165A>C, p.Asn389His (NM_001278065.2, NM_001278066.1, NM_001278067.1); short protein forms N389H.
Identifiers: ClinVar variation 1033818 (VCV001033818.2), dbSNP rs769064791, ClinGen allele CA4037230.
Genomic context (GRCh38, chr6:146,304,825, plus strand): 5'-CCTGAGTTCTGGCAACATCGGTTCCAGTGCCGCCTTCCAGGACACCTTCTGGAAAATCCC[A>C]ACTTTAAACGAATCTGCACAGGTAACTCATGTTCACAAAATAACAACTCAGAGGTTTGGT-3'
Protein context (NP_001264993.1, residues 379-399): RLPGHLLENP[Asn389His]FKRICTGNES

ClinVar aggregate classification (germline): Uncertain significance. Review status: criteria provided, multiple submitters, no conflicts (2 of 4 stars). 2 submissions from 2 submitters: Uncertain significance (2). Last evaluated 2024-10-30.

Conditions:
Spinocerebellar ataxia 44. Identifiers: Orphanet 631095, MedGen C4521563, MONDO:0033479, OMIM 617691.

Allele frequency attached by ClinVar (database versions not stated): gnomAD exomes 0.00006; ExAC 0.00003; gnomAD 0.00007; TOPMed 0.00006.
gnomAD v4.1: 107 of 1,612,296 alleles (0.0066%); highest among the groups gnomAD compares: Non-Finnish European, 0.0082%; no homozygotes.

Submissions (2):

Athena Diagnostics
Classification: Uncertain significance. Last evaluated: 2024-10-30. Review status: criteria provided, single submitter. Criteria: Athena Diagnostics Criteria. Collection method: clinical testing. Allele origin: unknown.
Comment: Available data are insufficient to determine the clinical significance of the variant at this time. The frequency of this variant in the general population is uninformative in assessment of its pathogenicity. Polyphen and MutationTaster yielded discordant predictions regarding whether this amino acid change is damaging to the protein.

Baylor Genetics
Classification: Uncertain significance for Spinocerebellar ataxia 44. Last evaluated: 2018-03-01. Review status: criteria provided, single submitter. Criteria: ACMG Guidelines, 2015. Collection method: clinical testing. Allele origin: unknown. Affected: yes.
Comment: This variant was determined to be of uncertain significance according to ACMG Guidelines, 2015 [PMID:25741868].